The following is an entry in ClinVar:

ClinVar aggregate classification (germline): Uncertain significance (1 of 4 stars; one submission).

Submission:

Labcorp Genetics (formerly Invitae), Labcorp
Classification: Uncertain significance. Last evaluated: 2023-02-17. Review status: criteria provided, single submitter. Criteria: Invitae Variant Classification Sherloc (09022015). Collection method: clinical testing. Allele origin: germline.
Comment: In summary, the available evidence is currently insufficient to determine the role of this variant in disease. Therefore, it has been classified as a Variant of Uncertain Significance. This sequence change replaces serine, which is neutral and polar, with glycine, which is neutral and non-polar, at codon 348 of the ARHGEF1 protein (p.Ser348Gly). This variant is not present in population databases (gnomAD no frequency). This variant has not been reported in the literature in individuals affected with ARHGEF1-related conditions. Algorithms developed to predict the effect of missense changes on protein structure and function output the following: SIFT: "Not Available"; PolyPhen-2: "Possibly Damaging"; Align-GVGD: "Not Available". The glycine amino acid residue is found in multiple mammalian species, which suggests that this missense change does not adversely affect protein function.

NM_004706.4(ARHGEF1):c.997A>G (p.Ser333Gly)

Gene: ARHGEF1 (Rho guanine nucleotide exchange factor 1; plus strand). Cytogenetic location: 19q13.2.
Variant type: single nucleotide variant.
Coding change: c.997A>G on transcript NM_004706.4 (MANE Select); coding-DNA position 997, A replaced by G.
Protein change: p.Ser333Gly; replaces serine 333 with glycine.
Molecular consequence: missense variant. On other transcripts: non-coding transcript variant (2).
Genome position (GRCh38, 1-based): chr19:41,895,468, A>G. VCF-style: chr19-41895468-A-G. GRCh37 (hg19) VCF-style: chr19-42399541-A-G.
Other names: c.997A>G, p.Ser333Gly (NM_001396000.1, NM_001396003.1, NM_001396006.1); c.898A>G, p.Ser300Gly (NM_001396002.1, NM_001396004.1, NM_198977.2); c.1042A>G, p.Ser348Gly (NM_199002.2); short protein forms S333G, S300G, S348G.
Identifiers: ClinVar variation 1945248 (VCV001945248.5), dbSNP rs782216389, ClinGen allele CA406055067.